The following is an entry in ClinVar:

NM_000179.3(MSH6):c.2344C>T (p.Leu782Phe)

Gene: MSH6 (mutS homolog 6; plus strand). Cytogenetic location: 2p16.3.
Variant type: single nucleotide variant.
Coding change: c.2344C>T on transcript NM_000179.3 (MANE Select); coding-DNA position 2344, C replaced by T.
Protein change: p.Leu782Phe; replaces leucine 782 with phenylalanine.
Molecular consequence: missense variant.
Genome position (GRCh38, 1-based): chr2:47,800,327, C>T. VCF-style: chr2-47800327-C-T. GRCh37 (hg19) VCF-style: chr2-48027466-C-T.
Other names: c.1954C>T, p.Leu652Phe (NM_001281492.2); c.1438C>T, p.Leu480Phe (NM_001281493.2, NM_001281494.2); short protein forms L782F, L480F, L652F.
Identifiers: ClinVar variation 630566 (VCV000630566.8), dbSNP rs1553413714, ClinGen allele CA346753461.
Genomic context (GRCh38, chr2:47,800,327, plus strand): 5'-GTTGATACTTGCCATACTCCTTTTGGTAAGCGGCTCCTAAAGCAATGGCTTTGTGCCCCA[C>T]TCTGTAACCATTATGCTATTAATGATCGTCTAGATGCCATAGAAGACCTCATGGTTGTGC-3'
Protein context (NP_000170.1, residues 772-792): RLLKQWLCAP[Leu782Phe]CNHYAINDRL

ClinVar aggregate classification (germline): Uncertain significance. Review status: criteria provided, multiple submitters, no conflicts (2 of 4 stars). 3 submissions from 3 submitters: Uncertain significance (3). Last evaluated 2025-11-25.

Conditions:
Hereditary nonpolyposis colorectal neoplasms. Identifiers: MedGen C0009405, MeSH D003123.
Hereditary cancer-predisposing syndrome. Also called: Tumor predisposition; Neoplastic Syndromes, Hereditary; Hereditary neoplastic syndrome; Hereditary Cancer Syndrome. Identifiers: Orphanet 140162, MedGen C0027672, MeSH D009386, MONDO:0015356.

Submissions (3):

Ambry Genetics
Classification: Uncertain significance for Hereditary cancer-predisposing syndrome. Last evaluated: 2025-11-25. Review status: criteria provided, single submitter. Criteria: Ambry Variant Classification Scheme 2023. Collection method: clinical testing. Allele origin: germline.
Comment: The p.L782F variant (also known as c.2344C>T), located in coding exon 4 of the MSH6 gene, results from a C to T substitution at nucleotide position 2344. The leucine at codon 782 is replaced by phenylalanine, an amino acid with highly similar properties. This amino acid position is highly conserved in available vertebrate species. In addition, this alteration is predicted to be deleterious by in silico analysis. Based on the available evidence, the clinical significance of this variant remains unclear.

Labcorp Genetics (formerly Invitae), Labcorp
Classification: Uncertain significance for Hereditary nonpolyposis colorectal neoplasms. Last evaluated: 2025-07-24. Review status: criteria provided, single submitter. Criteria: Invitae Variant Classification Sherloc (09022015). Collection method: clinical testing. Allele origin: germline.
Comment: This sequence change replaces leucine, which is neutral and non-polar, with phenylalanine, which is neutral and non-polar, at codon 782 of the MSH6 protein (p.Leu782Phe). This variant is not present in population databases (gnomAD no frequency). This variant has not been reported in the literature in individuals affected with MSH6-related conditions. ClinVar contains an entry for this variant (Variation ID: 630566). Invitae Evidence Modeling of protein sequence and biophysical properties (such as structural, functional, and spatial information, amino acid conservation, physicochemical variation, residue mobility, and thermodynamic stability) has been performed for this missense variant. However, the output from this modeling did not meet the statistical confidence thresholds required to predict the impact of this variant on MSH6 protein function. In summary, the available evidence is currently insufficient to determine the role of this variant in disease. Therefore, it has been classified as a Variant of Uncertain Significance.

Color Diagnostics, LLC DBA Color Health
Classification: Uncertain significance for Hereditary cancer-predisposing syndrome. Last evaluated: 2024-12-10. Review status: criteria provided, single submitter. Criteria: ACMG Guidelines, 2015. Collection method: clinical testing. Allele origin: germline.
Comment: This missense variant replaces leucine with phenylalanine at codon 782 of the MSH6 protein. Computational prediction suggests that this variant may have deleterious impact on protein structure and function (internally defined REVEL score threshold >= 0.7, PMID: 27666373). To our knowledge, functional studies have not been reported for this variant. This variant has not been reported in individuals affected with MSH6-related disorders in the literature. This variant has not been identified in the general population by the Genome Aggregation Database (gnomAD). The available evidence is insufficient to determine the role of this variant in disease conclusively. Therefore, this variant is classified as a Variant of Uncertain Significance.